The following is an entry in ClinVar:

ClinVar aggregate classification (germline): Uncertain significance. Review status: criteria provided, multiple submitters, no conflicts (2 of 4 stars). 5 submissions from 5 submitters: Uncertain significance (5). Last evaluated 2026-05-01.

Conditions:
Hereditary cancer-predisposing syndrome. Also called: Tumor predisposition; Hereditary neoplastic syndrome; Hereditary Cancer Syndrome; Neoplastic Syndromes, Hereditary. Identifiers: Orphanet 140162, MedGen C0027672, MeSH D009386, MONDO:0015356.
Fanconi anemia complementation group O. Also called: RAD51C-Related Fanconi Anemia. Identifiers: Orphanet 84, MedGen C3150653, MONDO:0013248, OMIM 613390.

Submissions (5):

CeGaT Center for Human Genetics Tuebingen
Classification: Uncertain significance. Last evaluated: 2026-05-01. Review status: criteria provided, single submitter. Criteria: CeGaT Center For Human Genetics Tuebingen Variant Classification Criteria Version 2. Collection method: clinical testing. Allele origin: germline. Affected: yes. Observed: 1 variant allele.
Comment: RAD51C: PM2, PP3

Labcorp Genetics (formerly Invitae), Labcorp
Classification: Uncertain significance for Fanconi anemia complementation group O. Last evaluated: 2021-11-11. Review status: criteria provided, single submitter. Criteria: Invitae Variant Classification Sherloc (09022015). Collection method: clinical testing. Allele origin: germline.
Comment: In summary, the available evidence is currently insufficient to determine the role of this variant in disease. Therefore, it has been classified as a Variant of Uncertain Significance. Variants that disrupt the consensus splice site are a relatively common cause of aberrant splicing (PMID: 17576681, 9536098). Algorithms developed to predict the effect of sequence changes on RNA splicing suggest that this variant may disrupt the consensus splice site. ClinVar contains an entry for this variant (Variation ID: 409857). This variant has not been reported in the literature in individuals affected with RAD51C-related conditions. This variant is not present in population databases (gnomAD no frequency). This sequence change falls in intron 2 of the RAD51C gene. It does not directly change the encoded amino acid sequence of the RAD51C protein. It affects a nucleotide within the consensus splice site.

Ambry Genetics
Classification: Uncertain significance for Hereditary cancer-predisposing syndrome. Last evaluated: 2020-09-11. Review status: criteria provided, single submitter. Criteria: Ambry Variant Classification Scheme 2023. Collection method: clinical testing. Allele origin: germline.
Comment: The c.404+3A>G intronic variant results from an A to G substitution 3 nucleotides after coding exon 2 in the RAD51C gene. This nucleotide position is well conserved in available vertebrate species. In silico splice site analysis predicts that this alteration will weaken the native splice donor site and may result in the creation or strengthening of a novel splice donor site. Since supporting evidence is limited at this time, the clinical significance of this alteration remains unclear.

Quest Diagnostics Nichols Institute San Juan Capistrano
Classification: Uncertain significance. Last evaluated: 2020-07-23. Review status: criteria provided, single submitter. Criteria: Quest Diagnostics criteria. Collection method: clinical testing. Allele origin: unknown.

GeneDx
Classification: Uncertain significance. Last evaluated: 2015-09-01. Review status: criteria provided, single submitter. Criteria: GeneDx Variant Classification (06012015). Collection method: clinical testing. Allele origin: germline. Affected: yes.
Comment: This variant is denoted RAD51C c.404+3A>G or IVS2+3A>G and consists of a A>G nucleotide substitution at the +3 position of intron 2 of the RAD51C gene. Multiple in silico models predict this variant to destroy the nearby natural donor site for intron 2, and to possibly cause abnormal gene splicing. However, in the absence of RNA or functional studies, the actual effect of this variant is unknown. This variant has not, to our knowledge, been published in the literature as pathogenic or benign. RAD51C c.404+3A>G was not observed in approximately 6,500 individuals of European and African American ancestry in the NHLBI Exome Sequencing Project, suggesting it is not a common benign variant in these populations. The adenine (A) nucleotide that is altered is conserved across species. Based on currently available information, it is unclear whether RAD51C c.404+3A>G is pathogenic or benign. We consider it to be a variant of uncertain significance.

Literature cited by the submitters: PubMed 17576681 (cited by Labcorp Genetics (formerly Invitae), Labcorp); PubMed 9536098 (cited by Labcorp Genetics (formerly Invitae), Labcorp).

NM_058216.3(RAD51C):c.404+3A>G

Gene: RAD51C (RAD51 paralog C; plus strand). Cytogenetic location: 17q22.
Variant type: single nucleotide variant.
Coding change: c.404+3A>G on transcript NM_058216.3 (MANE Select); 3 bases into the intron after coding-DNA position 404, A replaced by G.
Molecular consequence: intron variant. On other transcripts: synonymous variant (1), non-coding transcript variant (1).
Genome position (GRCh38, 1-based): chr17:58,695,192, A>G. VCF-style: chr17-58695192-A-G. GRCh37 (hg19) VCF-style: chr17-56772553-A-G.
Other names: c.407A>G, p.Ter136= (NM_002876.4).
Identifiers: ClinVar variation 409857 (VCV000409857.14), dbSNP rs1060502598, ClinGen allele CA16615460.
Genomic context (GRCh38, chr17:58,695,192, plus strand): 5'-CCTTAATGAAAACAACAGAAATTTGTGGTGCACCAGGTGTTGGAAAAACACAATTATGGT[A>G]AAATAAAGTGTTCTCCTTTTAAGGGTGGGTTTAATAACATATTATGAAAGTAGTATTTTG-3'